The following is an entry in ClinVar:

ClinVar aggregate classification (germline): Uncertain significance (1 of 4 stars; one submission).

Conditions:
Autosomal recessive limb-girdle muscular dystrophy type 2J (LGMDR10). Also called: MUSCULAR DYSTROPHY, LIMB-GIRDLE, AUTOSOMAL RECESSIVE 10; Limb-girdle muscular dystrophy, type 2J. Identifiers: Orphanet 140922, MedGen C1837342, MONDO:0012127, OMIM 608807.
Dilated cardiomyopathy 1G (CMD1G). Identifiers: Orphanet 154, MedGen C1858763, MONDO:0011400, OMIM 604145.

gnomAD v4.1: 1 of 1,613,954 alleles (0.000062%); highest among the groups gnomAD compares: East Asian, 0.0022%; no homozygotes.

Submission:

Labcorp Genetics (formerly Invitae), Labcorp
Classification: Uncertain significance for Dilated cardiomyopathy 1G; Autosomal recessive limb-girdle muscular dystrophy type 2J. Last evaluated: 2025-09-16. Review status: criteria provided, single submitter. Criteria: Invitae Variant Classification Sherloc (09022015). Collection method: clinical testing. Allele origin: germline.
Comment: This sequence change replaces arginine, which is basic and polar, with serine, which is neutral and polar, at codon 34652 of the TTN protein (p.Arg34652Ser). This variant is present in population databases (no rsID available, gnomAD 0.006%). This variant has not been reported in the literature in individuals affected with TTN-related conditions. Experimental studies and prediction algorithms are not available or were not evaluated, and the functional significance of this variant is currently unknown. This variant is located in the M band of TTN (PMID: 25589632). Non-truncating variants in this region may be relevant for neuromuscular disorders, but have not been definitively shown to cause cardiomyopathy (PMID: 23975875). In summary, the available evidence is currently insufficient to determine the role of this variant in disease. Therefore, it has been classified as a Variant of Uncertain Significance.

Literature cited by the submitters: PubMed 25589632; PubMed 23975875.

NM_001267550.2(TTN):c.103956A>T (p.Arg34652Ser)

Genes: TTN (titin; minus strand), TTN-AS1 (TTN antisense RNA 1; plus strand). Cytogenetic location: 2q31.2.
Variant type: single nucleotide variant.
Coding change: c.103956A>T on transcript NM_001267550.2 (MANE Select); coding-DNA position 103956, A replaced by T.
Protein change: p.Arg34652Ser; replaces arginine 34652 with serine.
Molecular consequence: missense variant.
Genome position (GRCh38, 1-based): chr2:178,532,659, T>A on the plus strand (A>T on the coding strand, the complement: TTN is on the minus strand). VCF-style: chr2-178532659-T-A. GRCh37 (hg19) VCF-style: chr2-179397386-T-A.
Other names: c.99033A>T, p.Arg33011Ser (NM_001256850.1); c.76761A>T, p.Arg25587Ser (NM_003319.4); c.96252A>T, p.Arg32084Ser (NM_133378.4); c.77136A>T, p.Arg25712Ser (NM_133432.3); c.77337A>T, p.Arg25779Ser (NM_133437.4); short protein forms R25779S, R25587S, R33011S, R34652S, R32084S, R25712S.
Identifiers: ClinVar variation 4794124 (VCV004794124.1).